The following is an entry in ClinVar:

ClinVar aggregate classification (germline): Uncertain significance (1 of 4 stars; one submission).

Conditions:
Malignant hyperthermia, susceptibility to, 1 (MHS1). Also called: RYR1-Related Malignant Hyperthermia Susceptibility; Malignant hyperthermia suceptibility 1; Anesthesia related hyperthermia; Malignant hyperpyrexia; Fulminating hyperpyrexia; Pharmacogenic myopathy. Identifiers: Orphanet 423, MedGen C2930980, MONDO:0007783, OMIM 145600.

gnomAD v4.1: 2 of 1,613,962 alleles (0.00012%); highest among the groups gnomAD compares: Admixed American, 0.0033%; no homozygotes.

Submission:

Color Diagnostics, LLC DBA Color Health
Classification: Uncertain significance for Malignant hyperthermia, susceptibility to, 1. Last evaluated: 2025-06-23. Review status: criteria provided, single submitter. Criteria: ACMG Guidelines, 2015. Collection method: clinical testing. Allele origin: germline.
Comment: This missense variant replaces alanine with valine at codon 3601 of the RYR1 protein. Computational prediction is inconclusive regarding the impact of this variant on protein structure and function. To our knowledge, functional studies have not been reported for this variant. This variant has not been reported in individuals affected with RYR1-related disorders in the literature. This variant has been identified in 2/251084 chromosomes in the general population by the Genome Aggregation Database (gnomAD). The available evidence is insufficient to determine the role of this variant in disease conclusively. Therefore, this variant is classified as a Variant of Uncertain Significance.

NM_000540.3(RYR1):c.10802C>T (p.Ala3601Val)

Gene: RYR1 (ryanodine receptor 1; plus strand). Cytogenetic location: 19q13.2.
Variant type: single nucleotide variant.
Coding change: c.10802C>T on transcript NM_000540.3 (MANE Select); coding-DNA position 10802, C replaced by T.
Protein change: p.Ala3601Val; replaces alanine 3601 with valine.
Molecular consequence: missense variant.
Genome position (GRCh38, 1-based): chr19:38,527,762, C>T. VCF-style: chr19-38527762-C-T. GRCh37 (hg19) VCF-style: chr19-39018402-C-T.
Other names: c.10787C>T, p.Ala3596Val (NM_001042723.2); short protein forms A3596V, A3601V.
Identifiers: ClinVar variation 4756836 (VCV004756836.1).